The following is an entry in ClinVar:

NM_000492.4(CFTR):c.1614T>A (p.Asn538Lys)

Genes: CFTR (CF transmembrane conductance regulator; plus strand), LOC111674475 (CFTR intron 11 enhancer; plus strand). Cytogenetic location: 7q31.2.
Variant type: single nucleotide variant.
Coding change: c.1614T>A on transcript NM_000492.4 (MANE Select); coding-DNA position 1614, T replaced by A.
Protein change: p.Asn538Lys; replaces asparagine 538 with lysine.
Molecular consequence: missense variant.
Genome position (GRCh38, 1-based): chr7:117,587,768, T>A. VCF-style: chr7-117587768-T-A. GRCh37 (hg19) VCF-style: chr7-117227822-T-A.
Other names: short protein forms N538K.
Identifiers: ClinVar variation 1686560 (VCV001686560.6), dbSNP rs1196851290, ClinGen allele CA368975952.
Genomic context (GRCh38, chr7:117,587,768, plus strand): 5'-TGACTCTCTAATTTTCTATTTTTGGTAATAGGACATCTCCAAGTTTGCAGAGAAAGACAA[T>A]ATAGTTCTTGGAGAAGGTGGAATCACACTGAGTGGAGGTCAACGAGCAAGAATTTCTTTA-3'
Protein context (NP_000483.3, residues 528-548): EDISKFAEKD[Asn538Lys]IVLGEGGITL

ClinVar aggregate classification (germline): Uncertain significance. Review status: criteria provided, multiple submitters, no conflicts (2 of 4 stars). 3 submissions from 3 submitters: Uncertain significance (3). Last evaluated 2025-12-31.

Conditions:
Cystic fibrosis (CF). Also called: MUCOVISCIDOSIS. Identifiers: Orphanet 586, MedGen C0010674, MONDO:0009061, OMIM 219700. Disease mechanism: loss of function.

Allele frequency attached by ClinVar (database versions not stated): gnomAD 0.00001; TOPMed 0.00001.
gnomAD v4.1: 3 of 1,611,336 alleles (0.00019%); highest among the groups gnomAD compares: Admixed American, 0.0017%; no homozygotes.

Submissions (3):

Labcorp Genetics (formerly Invitae), Labcorp
Classification: Uncertain significance for Cystic fibrosis. Last evaluated: 2025-12-31. Review status: criteria provided, single submitter. Criteria: Invitae Variant Classification Sherloc (09022015). Collection method: clinical testing. Allele origin: germline.
Comment: This sequence change replaces asparagine, which is neutral and polar, with lysine, which is basic and polar, at codon 538 of the CFTR protein (p.Asn538Lys). This variant is present in population databases (no rsID available, gnomAD 0.004%). This variant has not been reported in the literature in individuals affected with CFTR-related conditions. ClinVar contains an entry for this variant (Variation ID: 1686560). Invitae Evidence Modeling of protein sequence and biophysical properties (such as structural, functional, and spatial information, amino acid conservation, physicochemical variation, residue mobility, and thermodynamic stability) indicates that this missense variant is not expected to disrupt CFTR protein function with a negative predictive value of 80%. In summary, the available evidence is currently insufficient to determine the role of this variant in disease. Therefore, it has been classified as a Variant of Uncertain Significance.

Ambry Genetics
Classification: Uncertain significance for Cystic fibrosis. Last evaluated: 2025-10-09. Review status: criteria provided, single submitter. Criteria: Ambry Variant Classification Scheme 2023. Collection method: clinical testing. Allele origin: germline.
Comment: The p.N538K variant (also known as c.1614T>A), located in coding exon 12 of the CFTR gene, results from a T to A substitution at nucleotide position 1614. The asparagine at codon 538 is replaced by lysine, an amino acid with similar properties. This amino acid position is not well conserved in available vertebrate species, and lysine is the reference amino acid in other vertebrate species. In addition, this alteration is predicted to be tolerated by in silico analysis. Since supporting evidence is limited at this time, the clinical significance of this variant remains unclear.

Mendelics
Classification: Uncertain significance. Last evaluated: 2022-05-04. Review status: criteria provided, single submitter. Criteria: Mendelics Assertion Criteria 2019. Collection method: clinical testing. Allele origin: germline.